The following is an entry in ClinVar:

NM_017882.3(CLN6):c.827G>A (p.Trp276Ter)

Gene: CLN6 (CLN6 transmembrane ER protein; minus strand). Cytogenetic location: 15q23.
Variant type: single nucleotide variant.
Coding change: c.827G>A on transcript NM_017882.3 (MANE Select); coding-DNA position 827, G replaced by A.
Protein change: p.Trp276Ter; replaces tryptophan 276 with a stop codon.
Molecular consequence: nonsense.
Genome position (GRCh38, 1-based): chr15:68,208,249, C>T on the plus strand (G>A on the coding strand, the complement: CLN6 is on the minus strand). VCF-style: chr15-68208249-C-T. GRCh37 (hg19) VCF-style: chr15-68500587-C-T.
Other names: c.923G>A, p.Trp308Ter (NM_001411068.1); short protein forms W308*, W276*.
Identifiers: ClinVar variation 1990218 (VCV001990218.5), dbSNP rs2505401392, ClinGen allele CA392971843.
Genomic context (GRCh38, chr15:68,208,249, plus strand): 5'-ACGTAGATGACACCCGGGTACTTCTTCCTGAGAACAGGGTCATTCCACAGCCAGGCGACC[C>T]AGAGCGCCACAAGCAAGAGGGTCAGTGCGAAGGAGGAGAAGAGGAAGAGGCCGTTGCTGT-3'

ClinVar aggregate classification (germline): Pathogenic/Likely pathogenic. Review status: criteria provided, multiple submitters, no conflicts (2 of 4 stars). 2 submissions from 2 submitters: Pathogenic (1); Likely pathogenic (1). Last evaluated 2024-05-28.

Conditions:
Ceroid lipofuscinosis, neuronal, 6A. Also called: Neuronal ceroid lipofuscinosis, Gypsy/Indian early juvenile variant; Neuronal ceroid lipofuscinosis 6; CLN6-Related Neuronal Ceroid-Lipofuscinosis; Neuronal ceroid lipofuscinosis, late infantile, variant. Identifiers: Orphanet 168491, Orphanet 228363, MedGen C5551375, MONDO:0011144, OMIM 601780.
Ceroid lipofuscinosis, neuronal, 6B (Kufs type). Also called: Neuronal ceroid lipofuscinosis 4A. Identifiers: Orphanet 700477, MedGen C5561927, MONDO:0008768, OMIM 204300.
Neuronal ceroid lipofuscinosis. Also called: Neuronal Ceroid Lipofuscinoses. Identifiers: Orphanet 216, Orphanet 79263, MedGen C0027877, MONDO:0016295. Disease mechanism: loss of function.

Submissions (2):

Fulgent Genetics
Classification: Likely pathogenic for Ceroid lipofuscinosis, neuronal, 6B (Kufs type); Ceroid lipofuscinosis, neuronal, 6A. Last evaluated: 2024-05-28. Review status: criteria provided, single submitter. Criteria: ACMG Guidelines, 2015. Collection method: clinical testing. Allele origin: germline.

Labcorp Genetics (formerly Invitae), Labcorp
Classification: Pathogenic for Neuronal ceroid lipofuscinosis. Last evaluated: 2022-10-28. Review status: criteria provided, single submitter. Criteria: Invitae Variant Classification Sherloc (09022015). Collection method: clinical testing. Allele origin: germline.
Comment: For these reasons, this variant has been classified as Pathogenic. This variant disrupts a region of the CLN6 protein in which other variant(s) (p.Pro299Leu) have been determined to be pathogenic (PMID: 19135028). This suggests that this is a clinically significant region of the protein, and that variants that disrupt it are likely to be disease-causing. This variant has not been reported in the literature in individuals affected with CLN6-related conditions. This variant is not present in population databases (gnomAD no frequency). This sequence change creates a premature translational stop signal (p.Trp276*) in the CLN6 gene. While this is not anticipated to result in nonsense mediated decay, it is expected to disrupt the last 36 amino acid(s) of the CLN6 protein.

Literature cited by the submitters: PubMed 19135028 (cited by Labcorp Genetics (formerly Invitae), Labcorp).